The following is an entry in ClinVar:

Conditions:
Breast-ovarian cancer, familial, susceptibility to, 1 (BROVCA1). Also called: BRCA1 Hereditary Breast and Ovarian Cancer; OVARIAN CANCER, SUSCEPTIBILITY TO. Identifiers: Orphanet 145, MedGen C2676676, MONDO:0011450, OMIM 604370. Disease mechanism: loss of function.

Submission:

Brotman Baty Institute, University of Washington
No classification provided (evidence only). Condition: Breast-ovarian cancer, familial 1. Review status: no classification provided. Collection method: in vitro. Allele origin: not applicable. Functional consequence: functionally_normal.
ClinVar note: "not provided" was previously submitted as the classification for the variant. However, the classification appeared to be based only on an observation of functional data so it was converted to no classification on 2025-07-30.

NM_007294.4(BRCA1):c.5278-17T>A

Gene: BRCA1 (BRCA1 DNA repair associated; minus strand). Cytogenetic location: 17q21.31.
Variant type: single nucleotide variant.
Coding change: c.5278-17T>A on transcript NM_007294.4 (MANE Select); 17 bases into the intron before coding-DNA position 5278, T replaced by A.
Molecular consequence: intron variant.
Genome position (GRCh38, 1-based): chr17:43,051,134, A>T on the plus strand (T>A on the coding strand, the complement: BRCA1 is on the minus strand). VCF-style: chr17-43051134-A-T. GRCh37 (hg19) VCF-style: chr17-41203151-A-T.
Other names: c.1825-17T>A (NM_001408458.1, NM_001408461.1, NM_001408464.1 and 7 more transcripts); c.4387-17T>A (NM_001407967.1); c.4897-17T>A (NM_001407959.1); c.5011-17T>A (NM_001407931.1, NM_001407932.1, NM_001407928.1 and 4 more transcripts); c.5134-17T>A (NM_001407747.1, NM_001407745.1, NM_001407737.1 and 21 more transcripts); c.4894-17T>A (NM_001407962.1, NM_001407960.1); c.1465-17T>A (NM_001408512.1); c.1588-17T>A (NM_001408510.1); and 74 more.
Identifiers: ClinVar variation 867320 (VCV000867320.3), dbSNP rs2051218356, ClinGen allele CA916081090.